The following is an entry in ClinVar:

ClinVar aggregate classification (germline): Likely pathogenic (1 of 4 stars; one submission).

Conditions:
CFTR-related disorder (CFTR-RD). Also called: CFTR-related disorders; CFTR-related condition. Identifiers: MedGen C5924204, MONDO:7770004.

Submission:

Natera, Inc.
Classification: Likely pathogenic for CFTR-related disorders. Last evaluated: 2025-07-18. Review status: criteria provided, single submitter. Criteria: Natera Variant Classification Schema (03/2026). Collection method: clinical testing. Allele origin: germline.
Comment: The c.2538dup variant in CFTR is a frameshift variant predicted to shift the reading frame beginning at codon 847 and leads to a stop codon 49 codons downstream. This variant is expected to result in nonsense mediated decay, truncation, or a dysfunctional protein product. This variant is rare in the general population with a frequency below the threshold expected for the associated phenotype(s). Given the available evidence, this variant is classified as Likely Pathogenic.

NM_000492.4(CFTR):c.2538dup (p.Asn847fs)

Gene: CFTR (CF transmembrane conductance regulator; plus strand). Cytogenetic location: 7q31.2.
Variant type: Duplication.
Coding change: c.2538dup on transcript NM_000492.4 (MANE Select); coding-DNA position 2538, one base duplicated (G; older notation c.2538dupG).
Protein change: p.Asn847fs; shifts the reading frame from asparagine 847.
Molecular consequence: frameshift variant.
Genome position (GRCh38, 1-based): chr7:117,594,977, G duplicated; the last of 2 consecutive G bases (chr7:117,594,976-117,594,977); duplicating either gives the same sequence. VCF-style (leftmost placement, unchanged base first): chr7-117594975-T-TG. GRCh37 (hg19) VCF-style: chr7-117235029-T-TG.
Other names: short protein forms N847fs.
Identifiers: ClinVar variation 4818507 (VCV004818507.1).